The following is an entry in ClinVar:

NC_000021.8:g.(?_35742768)_(35743160_?)del

Gene: KCNE2 (potassium voltage-gated channel subfamily E regulatory subunit 2; plus strand). Cytogenetic location: 21q22.11.
Variant type: Deletion.
Identifiers: ClinVar variation 1017741 (VCV001017741.1).

ClinVar aggregate classification (germline): Uncertain significance (1 of 4 stars; one submission).

Conditions:
Long QT syndrome 6 (LQT6). Identifiers: Orphanet 101016, Orphanet 768, MedGen C3150953, MONDO:0013370, OMIM 613693.

Submission:

Labcorp Genetics (formerly Invitae), Labcorp
Classification: Uncertain significance for Long QT syndrome 6. Last evaluated: 2020-09-03. Review status: criteria provided, single submitter. Criteria: Invitae Variant Classification Sherloc (09022015). Collection method: clinical testing. Allele origin: germline.
Comment: A gross deletion of the genomic region encompassing the full coding sequence of the KCNE2 gene has been identified. The boundaries of this event are unknown as the deletion extends beyond the assayed region for this gene and therefore may encompass additional genes. This variant has not been reported in the literature in individuals with KCNE2-related conditions. The current clinical and genetic evidence is not sufficient to establish whether loss-of-function variants in KCNE2 cause disease. In summary, the available evidence is currently insufficient to determine the role of this variant in disease. Therefore, it has been classified as a Variant of Uncertain Significance.